The following is an entry in ClinVar:

ClinVar aggregate classification (germline): Uncertain significance. Review status: criteria provided, multiple submitters, no conflicts (2 of 4 stars). 3 submissions from 3 submitters: Uncertain significance (3). Last evaluated 2025-09-26.

Conditions:
Cardiovascular phenotype. Identifiers: MedGen CN230736.
Hypertrophic cardiomyopathy. Also called: HYPERTROPHIC MYOCARDIOPATHY. Identifiers: Orphanet 217569, MedGen C0007194, MeSH D002312, MONDO:0005045, HP:0001639.

Allele frequency attached by ClinVar (database versions not stated): gnomAD 0.00001; TOPMed 0.00002; 1000 Genomes Project 0.00020; ExAC 0.00001; 1000 Genomes Project 30x 0.00016; gnomAD exomes below 0.00001.
gnomAD v4.1: 3 of 1,613,080 alleles (0.00019%); highest among the groups gnomAD compares: African/African-American, 0.004%; no homozygotes.

Submissions (3):

Ambry Genetics
Classification: Uncertain significance for Cardiovascular phenotype. Last evaluated: 2025-09-26. Review status: criteria provided, single submitter. Criteria: Ambry Variant Classification Scheme 2023. Collection method: clinical testing. Allele origin: germline.
Comment: The p.G440D variant (also known as c.1319G>A), located in coding exon 15 of the MYBPC3 gene, results from a G to A substitution at nucleotide position 1319. The glycine at codon 440 is replaced by aspartic acid, an amino acid with similar properties. This amino acid position is not well conserved in available vertebrate species. In addition, this alteration is predicted to be tolerated by in silico analysis. Based on the available evidence, the clinical significance of this variant remains unclear.

All of Us Research Program, National Institutes of Health
Classification: Uncertain significance for Hypertrophic cardiomyopathy. Last evaluated: 2023-11-20. Review status: criteria provided, single submitter. Criteria: ACMG Guidelines, 2015. Collection method: clinical testing. Allele origin: germline. Inheritance: Autosomal dominant inheritance. Observed: 1 variant allele, 1 heterozygote.
Comment: This missense variant replaces glycine with aspartic acid at codon 440 of the MYBPC3 protein. Computational prediction suggests that this variant may not impact protein structure and function (internally defined REVEL score threshold <= 0.5, PMID: 27666373). To our knowledge, functional studies have not been reported for this variant. This variant has not been reported in individuals affected with MYBPC3-related disorders in the literature. This variant has been identified in 1/246696 chromosomes in the general population by the Genome Aggregation Database (gnomAD). The available evidence is insufficient to determine the role of this variant in disease conclusively. Therefore, this variant is classified as a Variant of Uncertain Significance.

This study involves interpretation of variants in research participants for the purpose of population health screening. Participant phenotype was not available at the time of variant classification. Additional details can be found in publication PMID: 35346344, PMCID: PMC8962531

Labcorp Genetics (formerly Invitae), Labcorp
Classification: Uncertain significance for Hypertrophic cardiomyopathy. Last evaluated: 2018-11-20. Review status: criteria provided, single submitter. Criteria: Invitae Variant Classification Sherloc (09022015). Collection method: clinical testing. Allele origin: germline.
Comment: In summary, the available evidence is currently insufficient to determine the role of this variant in disease. Therefore, it has been classified as a Variant of Uncertain Significance. Algorithms developed to predict the effect of missense changes on protein structure and function output the following: SIFT: "Tolerated"; PolyPhen-2: "Benign"; Align-GVGD: "Class C0". The aspartic acid amino acid residue is found in multiple mammalian species, suggesting that this missense change does not adversely affect protein function. These predictions have not been confirmed by published functional studies and their clinical significance is uncertain. This variant has not been reported in the literature in individuals with MYBPC3-related disease. This variant is present in population databases (rs142317339, ExAC 0.01%). This sequence change replaces glycine with aspartic acid at codon 440 of the MYBPC3 protein (p.Gly440Asp). The glycine residue is moderately conserved and there is a moderate physicochemical difference between glycine and aspartic acid.

NM_000256.3(MYBPC3):c.1319G>A (p.Gly440Asp)

Gene: MYBPC3 (myosin binding protein C3; minus strand). Cytogenetic location: 11p11.2.
Variant type: single nucleotide variant.
Coding change: c.1319G>A on transcript NM_000256.3 (MANE Select); coding-DNA position 1319, G replaced by A.
Protein change: p.Gly440Asp; replaces glycine 440 with aspartic acid.
Molecular consequence: missense variant.
Genome position (GRCh38, 1-based): chr11:47,343,053, C>T on the plus strand (G>A on the coding strand, the complement: MYBPC3 is on the minus strand). VCF-style: chr11-47343053-C-T. GRCh37 (hg19) VCF-style: chr11-47364604-C-T.
Other names: c.1319G>A, p.Gly440Asp (LRG_386t1); short protein forms G440D.
Identifiers: ClinVar variation 651296 (VCV000651296.9), dbSNP rs142317339, ClinGen allele CA077988.